The following is an entry in ClinVar:

ClinVar aggregate classification (germline): Uncertain significance (1 of 4 stars; one submission).

Conditions:
Hereditary cancer-predisposing syndrome. Also called: Tumor predisposition; Neoplastic Syndromes, Hereditary; Hereditary neoplastic syndrome; Hereditary Cancer Syndrome. Identifiers: Orphanet 140162, MedGen C0027672, MeSH D009386, MONDO:0015356.

Submission:

Ambry Genetics
Classification: Uncertain significance for Hereditary cancer-predisposing syndrome. Last evaluated: 2025-08-27. Review status: criteria provided, single submitter. Criteria: Ambry Variant Classification Scheme 2023. Collection method: clinical testing. Allele origin: germline.
Comment: The p.I449L variant (also known as c.1345A>C), located in coding exon 14 of the MUTYH gene, results from an A to C substitution at nucleotide position 1345. The isoleucine at codon 449 is replaced by leucine, an amino acid with highly similar properties. This amino acid position is conserved. In addition, this alteration is predicted to be deleterious by in silico analysis. Based on the available evidence, the clinical significance of this variant remains unclear.

NM_001048174.2(MUTYH):c.1261A>C (p.Ile421Leu)

Gene: MUTYH (mutY DNA glycosylase; minus strand). Cytogenetic location: 1p34.1.
Variant type: single nucleotide variant.
Coding change: c.1261A>C on transcript NM_001048174.2 (MANE Select); coding-DNA position 1261, A replaced by C.
Protein change: p.Ile421Leu; replaces isoleucine 421 with leucine.
Molecular consequence: missense variant. On other transcripts: non-coding transcript variant (7).
Genome position (GRCh38, 1-based): chr1:45,331,313, T>G on the plus strand (A>C on the coding strand, the complement: MUTYH is on the minus strand). VCF-style: chr1-45331313-T-G. GRCh37 (hg19) VCF-style: chr1-45796985-T-G.
Other names: c.1261A>C, p.Ile421Leu (NM_001048171.2, NM_001048173.2, NM_001293195.2 and 6 more transcripts); c.1264A>C, p.Ile422Leu (NM_001048172.2, NM_001407078.1, NM_001407086.1 and 1 more transcripts); c.1345A>C, p.Ile449Leu (NM_001128425.2); c.1306A>C, p.Ile436Leu (NM_001293190.2); c.1294A>C, p.Ile432Leu (NM_001293191.2, NM_001407069.1, NM_001407077.1); c.985A>C, p.Ile329Leu (NM_001293192.2, NM_001293196.2, NM_001407091.1); c.1222A>C, p.Ile408Leu (NM_001407079.1); c.1219A>C, p.Ile407Leu (NM_001407080.1); and 5 more; short protein forms I393L, I408L, I428L, I446L, I449L, I422L, I306L, I329L.
Identifiers: ClinVar variation 4113189 (VCV004113189.1).